The following is an entry in ClinVar:

ClinVar aggregate classification (germline): Uncertain significance. Review status: criteria provided, multiple submitters, no conflicts (2 of 4 stars). 3 submissions from 3 submitters: Uncertain significance (3). Last evaluated 2025-09-25.

Conditions:
MAGEL2-related disorder. Also called: MAGEL2-related condition.
Inborn genetic diseases. Identifiers: MedGen C0950123, MeSH D030342.

Allele frequency attached by ClinVar (database versions not stated): ExAC 0.00079.
gnomAD v4.1: 7 of 1,364,462 alleles (0.00051%); highest among the groups gnomAD compares: East Asian, 0.0061%; no homozygotes.

Submissions (3):

PreventionGenetics, part of Exact Sciences
Classification: Uncertain significance for MAGEL2-related condition. Last evaluated: 2025-09-25. Review status: criteria provided, single submitter. Criteria: ACMG Guidelines, 2015. Collection method: clinical testing. Allele origin: germline.
Comment: The MAGEL2 c.1472C>T variant is predicted to result in the amino acid substitution p.Pro491Leu. To our knowledge, this variant has not been reported in the literature. This variant is reported in 0.006% of alleles in individuals of East Asian descent in gnomAD v4.1.0. At this time, the clinical significance of this variant is uncertain due to the absence of conclusive functional and genetic evidence.

Labcorp Genetics (formerly Invitae), Labcorp
Classification: Uncertain significance. Last evaluated: 2024-05-23. Review status: criteria provided, single submitter. Criteria: Invitae Variant Classification Sherloc (09022015). Collection method: clinical testing. Allele origin: germline.
Comment: This sequence change replaces proline, which is neutral and non-polar, with leucine, which is neutral and non-polar, at codon 491 of the MAGEL2 protein (p.Pro491Leu). This variant is present in population databases (rs747533576, gnomAD 0.1%). This variant has not been reported in the literature in individuals affected with MAGEL2-related conditions. ClinVar contains an entry for this variant (Variation ID: 2247361). Advanced modeling of protein sequence and biophysical properties (such as structural, functional, and spatial information, amino acid conservation, physicochemical variation, residue mobility, and thermodynamic stability) has been performed at Invitae for this missense variant, however the output from this modeling did not meet the statistical confidence thresholds required to predict the impact of this variant on MAGEL2 protein function. In summary, the available evidence is currently insufficient to determine the role of this variant in disease. Therefore, it has been classified as a Variant of Uncertain Significance.

Ambry Genetics
Classification: Uncertain significance for Inborn genetic diseases. Last evaluated: 2021-08-30. Review status: criteria provided, single submitter. Criteria: Ambry Variant Classification Scheme 2023. Collection method: clinical testing. Allele origin: germline.

NM_019066.5(MAGEL2):c.1472C>T (p.Pro491Leu)

Gene: MAGEL2 (MAGE family member L2; minus strand). Cytogenetic location: 15q11.2.
Variant type: single nucleotide variant.
Coding change: c.1472C>T on transcript NM_019066.5 (MANE Select); coding-DNA position 1472, C replaced by T.
Protein change: p.Pro491Leu; replaces proline 491 with leucine.
Molecular consequence: missense variant.
Genome position (GRCh38, 1-based): chr15:23,646,271, G>A on the plus strand (C>T on the coding strand, the complement: MAGEL2 is on the minus strand). VCF-style: chr15-23646271-G-A. GRCh37 (hg19) VCF-style: chr15-23891418-G-A.
Other names: short protein forms P491L.
Identifiers: ClinVar variation 2247361 (VCV002247361.6), dbSNP rs747533576, ClinGen allele CA7430036.
Genomic context (GRCh38, chr15:23,646,271, plus strand): 5'-GGCTGGGTGGCCAGGACCTGTGGGGCAGGTCGGATGGGCGGCGGCGCCTGGCGGATCAGC[G>A]GCGGGGCCTGGCGGATCACAGGTGGAGCCTGGCGGATCACAGGTGGGGCCTGGCGGATCA-3'
Protein context (NP_061939.3, residues 481-501): QAPPVIRQAP[Pro491Leu]LIRQAPPPIR